The following is an entry in ClinVar:

NM_014874.4(MFN2):c.690G>T (p.Glu230Asp)

Gene: MFN2 (mitofusin 2; plus strand). Cytogenetic location: 1p36.22.
Variant type: single nucleotide variant.
Coding change: c.690G>T on transcript NM_014874.4 (MANE Select); coding-DNA position 690, G replaced by T.
Protein change: p.Glu230Asp; replaces glutamic acid 230 with aspartic acid.
Molecular consequence: missense variant.
Genome position (GRCh38, 1-based): chr1:11,998,860, G>T. VCF-style: chr1-11998860-G-T. GRCh37 (hg19) VCF-style: chr1-12058917-G-T.
Other names: c.690G>T, p.Glu230Asp (NM_001127660.2); short protein forms E230D.
Identifiers: ClinVar variation 659931 (VCV000659931.10), dbSNP rs1569842685, ClinGen allele CA338438498.

ClinVar aggregate classification (germline): Conflicting classifications of pathogenicity. Review status: criteria provided, conflicting classifications (1 of 4 stars). 2 submissions from 2 submitters: Pathogenic (1); Uncertain significance (1). Last evaluated 2022-02-02.

Conditions:
Charcot-Marie-Tooth disease type 2. Also called: Charcot-Marie-Tooth type 2. Identifiers: Orphanet 64746, MedGen C0270914, MONDO:0018993.

Submissions (2):

Labcorp Genetics (formerly Invitae), Labcorp
Classification: Pathogenic for Charcot-Marie-Tooth disease type 2. Last evaluated: 2022-02-02. Review status: criteria provided, single submitter. Criteria: Invitae Variant Classification Sherloc (09022015). Collection method: clinical testing. Allele origin: germline.
Comment: This sequence change replaces glutamic acid, which is acidic and polar, with aspartic acid, which is acidic and polar, at codon 230 of the MFN2 protein (p.Glu230Asp). This variant is not present in population databases (gnomAD no frequency). This missense change has been observed in individuals with clinical features of autosomal dominant Charcot-Marie-Tooth disease (Invitae). It has also been observed to segregate with disease in related individuals. ClinVar contains an entry for this variant (Variation ID: 659931). Advanced modeling of protein sequence and biophysical properties (such as structural, functional, and spatial information, amino acid conservation, physicochemical variation, residue mobility, and thermodynamic stability) performed at Invitae indicates that this missense variant is expected to disrupt MFN2 protein function. For these reasons, this variant has been classified as Pathogenic.

GeneDx
Classification: Uncertain significance. Last evaluated: 2019-10-14. Review status: criteria provided, single submitter. Criteria: GeneDx Variant Classification Process June 2021. Collection method: clinical testing. Allele origin: germline. Affected: yes.
Comment: Not observed in large population cohorts (Lek et al., 2016); In silico analysis, which includes protein predictors and evolutionary conservation, supports a deleterious effect; Has not been previously published as pathogenic or benign to our knowledge